The following is an entry in ClinVar:

ClinVar aggregate classification (germline): Uncertain significance (1 of 4 stars; one submission).

Conditions:
Centromeric instability of chromosomes 1,9 and 16 and immunodeficiency (ICF1). Also called: CENTROMERIC INSTABILITY, IMMUNODEFICIENCY SYNDROME; IMMUNE DEFICIENCY, VARIABLE, WITH CENTROMERIC INSTABILITY OF CHROMOSOMES 1, 9, AND 16; IMMUNODEFICIENCY SYNDROME, VARIABLE; Immunodeficiency-centromeric instability-facial anomalies. Identifiers: Orphanet 2268, MedGen C0398788, MONDO:0000133.

Allele frequency attached by ClinVar (database versions not stated): gnomAD 0.00001; TOPMed 0.00002.
gnomAD v4.1: 2 of 1,614,048 alleles (0.00012%); highest among the groups gnomAD compares: Non-Finnish European, 0.00017%; no homozygotes.

Submission:

Labcorp Genetics (formerly Invitae), Labcorp
Classification: Uncertain significance for Centromeric instability of chromosomes 1,9 and 16 and immunodeficiency. Last evaluated: 2022-02-24. Review status: criteria provided, single submitter. Criteria: Invitae Variant Classification Sherloc (09022015). Collection method: clinical testing. Allele origin: germline.
Comment: This sequence change falls in intron 20 of the DNMT3B gene. It does not directly change the encoded amino acid sequence of the DNMT3B protein. It affects a nucleotide within the consensus splice site. This variant is not present in population databases (gnomAD no frequency). This variant has not been reported in the literature in individuals affected with DNMT3B-related conditions. Variants that disrupt the consensus splice site are a relatively common cause of aberrant splicing (PMID: 17576681, 9536098). Algorithms developed to predict the effect of sequence changes on RNA splicing suggest that this variant may create or strengthen a splice site. In summary, the available evidence is currently insufficient to determine the role of this variant in disease. Therefore, it has been classified as a Variant of Uncertain Significance.

Literature cited by the submitters: PubMed 17576681; PubMed 9536098.

NM_006892.4(DNMT3B):c.2232-3C>T

Gene: DNMT3B (DNA methyltransferase 3 beta; plus strand). Cytogenetic location: 20q11.21.
Variant type: single nucleotide variant.
Coding change: c.2232-3C>T on transcript NM_006892.4 (MANE Select); 3 bases into the intron before coding-DNA position 2232, C replaced by T.
Molecular consequence: intron variant.
Genome position (GRCh38, 1-based): chr20:32,805,335, C>T. VCF-style: chr20-32805335-C-T. GRCh37 (hg19) VCF-style: chr20-31393141-C-T.
Other names: c.2172-3C>T (NM_175848.2); c.2172-2427C>T (NM_175849.2); c.2046-2427C>T (NM_001207055.2); c.1944-2427C>T (NM_001207056.2); c.2208-3C>T (NM_175850.3).
Identifiers: ClinVar variation 1399045 (VCV001399045.3), dbSNP rs1217720028, ClinGen allele CA743667032.